The following is an entry in ClinVar:

NM_004100.5(EYA4):c.1769A>G (p.Gln590Arg)

Genes: EYA4 (EYA transcriptional coactivator and phosphatase 4; plus strand), TARID (TCF21 antisense RNA inducing promoter demethylation; minus strand). Cytogenetic location: 6q23.2.
Variant type: single nucleotide variant.
Coding change: c.1769A>G on transcript NM_004100.5 (MANE Select); coding-DNA position 1769, A replaced by G.
Protein change: p.Gln590Arg; replaces glutamine 590 with arginine.
Molecular consequence: missense variant. On other transcripts: intron variant (3).
Genome position (GRCh38, 1-based): chr6:133,525,184, A>G. VCF-style: chr6-133525184-A-G. GRCh37 (hg19) VCF-style: chr6-133846322-A-G.
Other names: c.1787A>G, p.Gln596Arg (NM_001301013.2); c.1625A>G, p.Gln542Arg (NM_001370459.1); c.1700A>G, p.Gln567Arg (NM_172103.4); c.1839+69A>G (NM_172105.4); c.1770+69A>G (NM_001370458.1); c.1677+69A>G (NM_001301012.2); short protein forms Q590R, Q596R, Q542R, Q567R.
Identifiers: ClinVar variation 2768830 (VCV002768830.3), dbSNP rs1335470664, ClinGen allele CA365700603.

ClinVar aggregate classification (germline): Uncertain significance (1 of 4 stars; one submission).

Conditions:
Dilated cardiomyopathy 1J (CMD1J). Also called: CARDIOMYOPATHY, DILATED, WITH SENSORINEURAL HEARING LOSS, AUTOSOMAL DOMINANT. Identifiers: Orphanet 217622, MedGen C1854368, MONDO:0011541, OMIM 605362.

Submission:

Labcorp Genetics (formerly Invitae), Labcorp
Classification: Uncertain significance for Dilated cardiomyopathy 1J. Last evaluated: 2024-01-08. Review status: criteria provided, single submitter. Criteria: Invitae Variant Classification Sherloc (09022015). Collection method: clinical testing. Allele origin: germline.
Comment: This sequence change replaces glutamine, which is neutral and polar, with arginine, which is basic and polar, at codon 590 of the EYA4 protein (p.Gln590Arg). This variant is not present in population databases (gnomAD no frequency). This variant has not been reported in the literature in individuals affected with EYA4-related conditions. Advanced modeling of protein sequence and biophysical properties (such as structural, functional, and spatial information, amino acid conservation, physicochemical variation, residue mobility, and thermodynamic stability) performed at Invitae indicates that this missense variant is not expected to disrupt EYA4 protein function with a negative predictive value of 80%. In summary, the available evidence is currently insufficient to determine the role of this variant in disease. Therefore, it has been classified as a Variant of Uncertain Significance.